The following is an entry in ClinVar:

ClinVar aggregate classification (germline): Pathogenic (1 of 4 stars; one submission).

Conditions:
DiGeorge syndrome. Also called: THIRD AND FOURTH PHARYNGEAL POUCH SYNDROME; Catch22. Identifiers: Orphanet 567, MedGen C0012236, MONDO:0008564, OMIM 188400.

Submission:

Labcorp Genetics (formerly Invitae), Labcorp
Classification: Pathogenic for DiGeorge syndrome. Last evaluated: 2017-08-03. Review status: criteria provided, single submitter. Criteria: Invitae Variant Classification Sherloc (09022015). Collection method: clinical testing. Allele origin: germline.
Comment: This sequence change creates a premature translational stop signal (p.Lys98*) in the TBX1 gene. It is expected to result in an absent or disrupted protein product. This variant is not present in population databases (ExAC no frequency). For these reasons, this variant has been classified as Pathogenic. Loss-of-function variants in TBX1 are known to be pathogenic (PMID: 14585638, 24637876, 25860641). This variant has not been reported in the literature in individuals with a TBX1-related disease.

Literature cited by the submitters: PubMed 14585638; PubMed 24637876; PubMed 25860641.

NM_001379200.1(TBX1):c.319A>T (p.Lys107Ter)

Gene: TBX1 (T-box transcription factor 1; plus strand). Cytogenetic location: 22q11.21.
Variant type: single nucleotide variant.
Coding change: c.319A>T on transcript NM_001379200.1 (MANE Select); coding-DNA position 319, A replaced by T.
Protein change: p.Lys107Ter; replaces lysine 107 with a stop codon.
Molecular consequence: nonsense.
Genome position (GRCh38, 1-based): chr22:19,761,162, A>T. VCF-style: chr22-19761162-A-T. GRCh37 (hg19) VCF-style: chr22-19748685-A-T.
Other names: c.292A>T, p.Lys98Ter (NM_005992.1, NM_080646.2, NM_080647.1); short protein forms K98*, K107*.
Identifiers: ClinVar variation 526036 (VCV000526036.6), dbSNP rs1555895466, ClinGen allele CA410681602.